The following is an entry in ClinVar:

NM_032387.5(WNK4):c.476A>G (p.Asp159Gly)

Gene: WNK4 (WNK lysine deficient protein kinase 4; plus strand). Cytogenetic location: 17q21.2.
Variant type: single nucleotide variant.
Coding change: c.476A>G on transcript NM_032387.5 (MANE Select); coding-DNA position 476, A replaced by G.
Protein change: p.Asp159Gly; replaces aspartic acid 159 with glycine.
Molecular consequence: missense variant. On other transcripts: 5 prime UTR variant (1).
Genome position (GRCh38, 1-based): chr17:42,781,174, A>G. VCF-style: chr17-42781174-A-G. GRCh37 (hg19) VCF-style: chr17-40933192-A-G.
Other names: c.-444A>G (NM_001321299.2); c.476A>G (NM_032387.4); short protein forms D159G.
Identifiers: ClinVar variation 2180841 (VCV002180841.6), dbSNP rs373246842, ClinGen allele CA8583689.
Genomic context (GRCh38, chr17:42,781,174, plus strand): 5'-CGCTAAGGGTCCCTGAAGCTGTGGCCCTAGAGCGGCGGCGGGAGCAGGAAGAAAAGGAGG[A>G]CATGGAGACCCAGGCTGTGGCAACGTCCCCCGATGGCCGATACCTCAAGTTTGACATCGA-3'
Protein context (NP_115763.2, residues 149-169): ERRREQEEKE[Asp159Gly]METQAVATSP

ClinVar aggregate classification (germline): Uncertain significance. Review status: criteria provided, multiple submitters, no conflicts (2 of 4 stars). 3 submissions from 3 submitters: Uncertain significance (3). Last evaluated 2024-03-18.

Conditions:
Pseudohypoaldosteronism type 2B (PHA2B). Also called: Pseudohypoaldosteronism Type IIB. Identifiers: Orphanet 757, Orphanet 88939, MedGen C1840390, MONDO:0013777, OMIM 614491.
Inborn genetic diseases. Identifiers: MedGen C0950123, MeSH D030342.

Allele frequency attached by ClinVar (database versions not stated): gnomAD 0.00002; TOPMed 0.00002; gnomAD exomes 0.00004; ExAC 0.00007; ESP Exome Variant Server 0.00008.
gnomAD v4.1: 63 of 1,614,042 alleles (0.0039%); highest among the groups gnomAD compares: Middle Eastern, 0.049%; no homozygotes.

Submissions (3):

Labcorp Genetics (formerly Invitae), Labcorp
Classification: Uncertain significance. Last evaluated: 2024-03-18. Review status: criteria provided, single submitter. Criteria: Invitae Variant Classification Sherloc (09022015). Collection method: clinical testing. Allele origin: germline.
Comment: This sequence change replaces aspartic acid, which is acidic and polar, with glycine, which is neutral and non-polar, at codon 159 of the WNK4 protein (p.Asp159Gly). This variant is present in population databases (rs373246842, gnomAD 0.01%). This variant has not been reported in the literature in individuals affected with WNK4-related conditions. ClinVar contains an entry for this variant (Variation ID: 2180841). Advanced modeling of protein sequence and biophysical properties (such as structural, functional, and spatial information, amino acid conservation, physicochemical variation, residue mobility, and thermodynamic stability) performed at Invitae indicates that this missense variant is not expected to disrupt WNK4 protein function with a negative predictive value of 95%. In summary, the available evidence is currently insufficient to determine the role of this variant in disease. Therefore, it has been classified as a Variant of Uncertain Significance.

Fulgent Genetics
Classification: Uncertain significance for Pseudohypoaldosteronism type 2B. Last evaluated: 2024-01-09. Review status: criteria provided, single submitter. Criteria: ACMG Guidelines, 2015. Collection method: clinical testing. Allele origin: germline.

Ambry Genetics
Classification: Uncertain significance for Inborn genetic diseases. Last evaluated: 2023-12-22. Review status: criteria provided, single submitter. Criteria: Ambry Variant Classification Scheme 2023. Collection method: clinical testing. Allele origin: germline.